The following is an entry in ClinVar:

NM_001369.3(DNAH5):c.4338C>G (p.Leu1446=)

Genes: DNAH5 (dynein axonemal heavy chain 5; minus strand), DNAH5-AS1 (DNAH5 antisense RNA 1; plus strand). Cytogenetic location: 5p15.2.
Variant type: single nucleotide variant.
Coding change: c.4338C>G on transcript NM_001369.3 (MANE Select); coding-DNA position 4338, C replaced by G.
Protein change: p.Leu1446=; no amino-acid change (leucine 1446 retained).
Molecular consequence: synonymous variant.
Genome position (GRCh38, 1-based): chr5:13,865,685, G>C on the plus strand (C>G on the coding strand, the complement: DNAH5 is on the minus strand). VCF-style: chr5-13865685-G-C. GRCh37 (hg19) VCF-style: chr5-13865794-G-C.
Other names: p.Leu1446=.
Identifiers: ClinVar variation 351129 (VCV000351129.20), dbSNP rs377432140, ClinGen allele CA3204015.

ClinVar aggregate classification (germline): Conflicting classifications of pathogenicity. Review status: criteria provided, conflicting classifications (1 of 4 stars). 6 submissions from 6 submitters: Uncertain significance (1); Likely benign (4). 1 of the submissions does not count toward it. Last evaluated 2025-10-03.

Conditions:
Primary ciliary dyskinesia. Also called: Ciliary dyskinesia. Identifiers: Orphanet 244, MedGen C0008780, MONDO:0016575, HP:0012265.
Primary ciliary dyskinesia 3. Identifiers: Orphanet 244, MedGen C1837618, MONDO:0012085, OMIM 608644.

Allele frequency attached by ClinVar (database versions not stated): ExAC 0.00002; TOPMed 0.00003; gnomAD 0.00004 and 0.00005; gnomAD exomes 0.00006; ESP Exome Variant Server 0.00015.
gnomAD v4.1: 183 of 1,576,186 alleles (0.012%); highest among the groups gnomAD compares: Non-Finnish European, 0.015%; no homozygotes.

Submissions (6):

Labcorp Genetics (formerly Invitae), Labcorp
Classification: Likely benign for Primary ciliary dyskinesia. Last evaluated: 2025-10-03. Review status: criteria provided, single submitter. Criteria: Invitae Variant Classification Sherloc (09022015). Collection method: clinical testing. Allele origin: germline.

Mayo Clinic Laboratories, Mayo Clinic
Classification: Likely benign. Last evaluated: 2025-05-19. Review status: criteria provided, single submitter. Criteria: ACMG Guidelines, 2015. Collection method: clinical testing. Allele origin: germline. Observed: 1 variant allele.
Comment: BP4, BP7

Blueprint Genetics
Classification: Likely benign. Last evaluated: 2024-02-02. Review status: criteria provided, single submitter. Criteria: ACMG Guidelines, 2015. Collection method: clinical testing. Allele origin: germline.

Ambry Genetics
Classification: Likely benign for Primary ciliary dyskinesia. Last evaluated: 2023-11-18. Review status: criteria provided, single submitter. Criteria: Ambry Variant Classification Scheme 2023. Collection method: clinical testing. Allele origin: germline.

Illumina Laboratory Services, Illumina
Classification: Uncertain significance for Primary ciliary dyskinesia 3. Last evaluated: 2018-01-12. Review status: criteria provided, single submitter. Criteria: ICSL Variant Classification Criteria 13 December 2019. Collection method: clinical testing. Allele origin: germline.

Natera, Inc.
Classification: Uncertain significance for Primary ciliary dyskinesia. Last evaluated: 2020-01-24. Review status: no assertion criteria provided. Collection method: clinical testing. Allele origin: germline. Not counted in ClinVar's aggregate classification.